The following is an entry in ClinVar:

ClinVar aggregate classification (germline): Uncertain significance. Review status: criteria provided, multiple submitters, no conflicts (2 of 4 stars). 3 submissions from 3 submitters: Uncertain significance (3). Last evaluated 2021-09-01.

Conditions:
Glycogen storage disease type III (GSD3). Also called: FORBES DISEASE; Cori disease. Identifiers: Orphanet 366, MedGen C0017922, MONDO:0009291, OMIM 232400.

Allele frequency attached by ClinVar (database versions not stated): gnomAD exomes below 0.00001; TOPMed below 0.00001; ExAC 0.00001.
gnomAD v4.1: 1 of 1,614,184 alleles (0.000062%); highest among the groups gnomAD compares: East Asian, 0.0022%; no homozygotes.

Submissions (3):

Labcorp Genetics (formerly Invitae), Labcorp
Classification: Uncertain significance for Glycogen storage disease type III. Last evaluated: 2021-09-01. Review status: criteria provided, single submitter. Criteria: Invitae Variant Classification Sherloc (09022015). Collection method: clinical testing. Allele origin: germline.
Comment: This sequence change replaces glutamine with arginine at codon 695 of the AGL protein (p.Gln695Arg). The glutamine residue is weakly conserved and there is a small physicochemical difference between glutamine and arginine. This variant is present in population databases (rs778021848, ExAC 0.01%). This variant has not been reported in the literature in individuals affected with AGL-related conditions. ClinVar contains an entry for this variant (Variation ID: 291336). Algorithms developed to predict the effect of missense changes on protein structure and function (SIFT, PolyPhen-2, Align-GVGD) all suggest that this variant is likely to be tolerated. In summary, the available evidence is currently insufficient to determine the role of this variant in disease. Therefore, it has been classified as a Variant of Uncertain Significance.

Genome-Nilou Lab
Classification: Uncertain significance for Glycogen storage disease type III. Last evaluated: 2021-07-15. Review status: criteria provided, single submitter. Criteria: ACMG Guidelines, 2015. Collection method: clinical testing. Allele origin: germline. Affected: no.

Illumina Laboratory Services, Illumina
Classification: Uncertain significance for Glycogen storage disease type III. Last evaluated: 2018-01-13. Review status: criteria provided, single submitter. Criteria: ICSL Variant Classification Criteria 13 December 2019. Collection method: clinical testing. Allele origin: germline.

NM_000642.3(AGL):c.2084A>G (p.Gln695Arg)

Gene: AGL (amylo-alpha-1,6-glucosidase and 4-alpha-glucanotransferase; plus strand). Cytogenetic location: 1p21.2.
Variant type: single nucleotide variant.
Coding change: c.2084A>G on transcript NM_000642.3 (MANE Select); coding-DNA position 2084, A replaced by G.
Protein change: p.Gln695Arg; replaces glutamine 695 with arginine.
Molecular consequence: missense variant.
Genome position (GRCh38, 1-based): chr1:99,881,374, A>G. VCF-style: chr1-99881374-A-G. GRCh37 (hg19) VCF-style: chr1-100346930-A-G.
Other names: c.2084A>G, p.Gln695Arg (NM_000028.3, NM_000643.3, NM_000644.3 and 2 more transcripts); c.2036A>G, p.Gln679Arg (NM_000646.3); c.1883A>G, p.Gln628Arg (NM_001425327.1); c.1880A>G, p.Gln627Arg (NM_001425328.1, NM_001425329.1); c.1706A>G, p.Gln569Arg (NM_001425332.1); short protein forms Q695R, Q679R, Q569R, Q627R, Q628R.
Identifiers: ClinVar variation 291336 (VCV000291336.12), dbSNP rs778021848, ClinGen allele CA966689.